The following is an entry in ClinVar:

NM_133259.4(LRPPRC):c.3900+15C>T

Gene: LRPPRC (leucine rich pentatricopeptide repeat containing; minus strand). Cytogenetic location: 2p21.
Variant type: single nucleotide variant.
Coding change: c.3900+15C>T on transcript NM_133259.4 (MANE Select); 15 bases into the intron after coding-DNA position 3900, C replaced by T.
Molecular consequence: intron variant.
Genome position (GRCh38, 1-based): chr2:43,896,619, G>A on the plus strand (C>T on the coding strand, the complement: LRPPRC is on the minus strand). VCF-style: chr2-43896619-G-A. GRCh37 (hg19) VCF-style: chr2-44123758-G-A.
Identifiers: ClinVar variation 336146 (VCV000336146.19), dbSNP rs76850904, ClinGen allele CA1637905.

ClinVar aggregate classification (germline): Benign. Review status: criteria provided, multiple submitters, no conflicts (2 of 4 stars). 6 submissions from 6 submitters: Benign (6). Last evaluated 2026-02-04.

Conditions:
Congenital lactic acidosis, Saguenay-Lac-Saint-Jean type (MC4DN5). Also called: CYTOCHROME c OXIDASE DEFICIENCY, FRENCH CANADIAN TYPE; COX DEFICIENCY, FRENCH CANADIAN TYPE; MITOCHONDRIAL COMPLEX IV DEFICIENCY, NUCLEAR TYPE 5. Identifiers: Orphanet 70472, MedGen C1857355, MONDO:0009069, OMIM 220111.

Allele frequency attached by ClinVar (database versions not stated): 1000 Genomes Project 30x 0.08323; 1000 Genomes Project 0.08586; gnomAD exomes 0.09368; TOPMed 0.09396; gnomAD 0.09620 and 0.09621; ExAC 0.09854; ESP Exome Variant Server 0.10318.
gnomAD v4.1: 150,935 of 1,552,006 alleles (9.7%); highest among the groups gnomAD compares: South Asian, 16%; 8,209 homozygotes.

Submissions (6):

Labcorp Genetics (formerly Invitae), Labcorp
Classification: Benign. Last evaluated: 2026-02-04. Review status: criteria provided, single submitter. Criteria: Invitae Variant Classification Sherloc (09022015). Collection method: clinical testing. Allele origin: germline.

Blueprint Genetics
Classification: Benign. Last evaluated: 2024-11-26. Review status: criteria provided, single submitter. Criteria: ACMG Guidelines, 2015. Collection method: clinical testing. Allele origin: germline.

Genome-Nilou Lab
Classification: Benign for Congenital lactic acidosis, Saguenay-Lac-Saint-Jean type. Last evaluated: 2021-07-10. Review status: criteria provided, single submitter. Criteria: ACMG Guidelines, 2015. Collection method: clinical testing. Allele origin: germline. Affected: no.

Illumina Laboratory Services, Illumina
Classification: Benign for Congenital lactic acidosis, Saguenay-Lac-Saint-Jean type. Last evaluated: 2018-01-13. Review status: criteria provided, single submitter. Criteria: ICSL Variant Classification Criteria 13 December 2019. Collection method: clinical testing. Allele origin: germline.
Comment: This variant was observed in the ICSL laboratory as part of a predisposition screen in an ostensibly healthy population. It had not been previously curated by ICSL or reported in the Human Gene Mutation Database (HGMD: prior to June 1st, 2018), and was therefore a candidate for classification through an automated scoring system. Utilizing variant allele frequency, disease prevalence and penetrance estimates, and inheritance mode, an automated score was calculated to assess if this variant is too frequent to cause the disease. Based on the score and internal cut-off values, a variant classified as benign is not then subjected to further curation. The score for this variant resulted in a classification of benign for this disease.

GeneDx
Classification: Benign. Last evaluated: 2015-03-03. Review status: criteria provided, single submitter. Criteria: GeneDx Variant Classification Process June 2021. Collection method: clinical testing. Allele origin: germline. Affected: yes.
Comment: This variant is associated with the following publications: (PMID: 27574110)

Breakthrough Genomics
Classification: Benign. Review status: criteria provided, single submitter. Criteria: ACMG Guidelines, 2015. Collection method: not provided. Allele origin: germline. Inheritance: Autosomal recessive inheritance. Affected: yes.